The following is an entry in ClinVar:

ClinVar aggregate classification (germline): Uncertain significance. Review status: criteria provided, multiple submitters, no conflicts (2 of 4 stars). 4 submissions from 4 submitters: Uncertain significance (4). Last evaluated 2025-09-16.

Conditions:
Developmental and epileptic encephalopathy, 12 (DEE12). Identifiers: MedGen C3150988, MONDO:0013389, OMIM 613722.
Inborn genetic diseases. Identifiers: MedGen C0950123, MeSH D030342.

Allele frequency attached by ClinVar (database versions not stated): gnomAD 0.00001; gnomAD exomes 0.00002; TOPMed 0.00002; ExAC 0.00010; 1000 Genomes Project 30x 0.00016; 1000 Genomes Project 0.00020.
gnomAD v4.1: 23 of 1,559,516 alleles (0.0015%); highest among the groups gnomAD compares: East Asian, 0.024%; no homozygotes.

Submissions (4):

GeneDx
Classification: Uncertain significance. Last evaluated: 2025-09-16. Review status: criteria provided, single submitter. Criteria: GeneDx Variant Classification Process June 2021. Collection method: clinical testing. Allele origin: germline. Affected: yes.
Comment: In silico analysis supports that this missense variant has a deleterious effect on protein structure/function; Has not been previously published as pathogenic or benign to our knowledge; This variant is associated with the following publications: (PMID: 22508754)

Ambry Genetics
Classification: Uncertain significance for Inborn genetic diseases. Last evaluated: 2025-03-31. Review status: criteria provided, single submitter. Criteria: Ambry Variant Classification Scheme 2023. Collection method: clinical testing. Allele origin: germline.

Labcorp Genetics (formerly Invitae), Labcorp
Classification: Uncertain significance for Developmental and epileptic encephalopathy, 12. Last evaluated: 2022-08-21. Review status: criteria provided, single submitter. Criteria: Invitae Variant Classification Sherloc (09022015). Collection method: clinical testing. Allele origin: germline.
Comment: This sequence change replaces threonine, which is neutral and polar, with methionine, which is neutral and non-polar, at codon 253 of the PNKP protein (p.Thr253Met). The frequency data for this variant in the population databases is considered unreliable, as metrics indicate poor data quality at this position in the gnomAD database. This variant has not been reported in the literature in individuals affected with PNKP-related conditions. ClinVar contains an entry for this variant (Variation ID: 206395). Algorithms developed to predict the effect of missense changes on protein structure and function are either unavailable or do not agree on the potential impact of this missense change (SIFT: "Tolerated"; PolyPhen-2: "Probably Damaging"; Align-GVGD: "Class C0"). In summary, the available evidence is currently insufficient to determine the role of this variant in disease. Therefore, it has been classified as a Variant of Uncertain Significance.

Mayo Clinic Laboratories, Mayo Clinic
Classification: Uncertain significance. Last evaluated: 2022-02-04. Review status: criteria provided, single submitter. Criteria: ACMG Guidelines, 2015. Collection method: clinical testing. Allele origin: germline. Observed: 1 variant allele.
Comment: PM2

NM_007254.4(PNKP):c.758C>T (p.Thr253Met)

Gene: PNKP (polynucleotide kinase 3'-phosphatase; minus strand). Cytogenetic location: 19q13.33.
Variant type: single nucleotide variant.
Coding change: c.758C>T on transcript NM_007254.4 (MANE Select); coding-DNA position 758, C replaced by T.
Protein change: p.Thr253Met; replaces threonine 253 with methionine.
Molecular consequence: missense variant.
Genome position (GRCh38, 1-based): chr19:49,863,747, G>A on the plus strand (C>T on the coding strand, the complement: PNKP is on the minus strand). VCF-style: chr19-49863747-G-A. GRCh37 (hg19) VCF-style: chr19-50367004-G-A.
Other names: p.T253M:ACG>ATG; p.Thr253Met; c.758C>T (NM_007254.3); short protein forms T253M.
Identifiers: ClinVar variation 206395 (VCV000206395.8), dbSNP rs538161505, ClinGen allele CA316470.